The following is an entry in ClinVar:

NM_005909.5(MAP1B):c.316G>A (p.Val106Ile)

Gene: MAP1B (microtubule associated protein 1B; plus strand). Cytogenetic location: 5q13.2.
Variant type: single nucleotide variant.
Coding change: c.316G>A on transcript NM_005909.5 (MANE Select); coding-DNA position 316, G replaced by A.
Protein change: p.Val106Ile; replaces valine 106 with isoleucine.
Molecular consequence: missense variant. On other transcripts: 5 prime UTR variant (1).
Genome position (GRCh38, 1-based): chr5:72,183,772, G>A. VCF-style: chr5-72183772-G-A. GRCh37 (hg19) VCF-style: chr5-71479599-G-A.
Other names: c.-63G>A (NM_001324255.2); short protein forms V106I.
Identifiers: ClinVar variation 710962 (VCV000710962.7), dbSNP rs141301811, ClinGen allele CA3298466.

ClinVar aggregate classification (germline): Benign/Likely benign. Review status: criteria provided, multiple submitters, no conflicts (2 of 4 stars). 3 submissions from 3 submitters: Benign (1); Likely benign (1). 1 of the submissions does not count toward it. Last evaluated 2026-07-01.

Conditions:
MAP1B-related disorder. Also called: MAP1B-related condition.

Allele frequency attached by ClinVar (database versions not stated): gnomAD exomes 0.00046 and 0.00093; ExAC 0.00129; gnomAD 0.00388 and 0.00408; TOPMed 0.00401; 1000 Genomes Project 30x 0.00406; ESP Exome Variant Server 0.00408; 1000 Genomes Project 0.00419.
gnomAD v4.1: 1,270 of 1,614,094 alleles (0.079%); highest among the groups gnomAD compares: African/African-American, 1.2%; 3 homozygotes.

Submissions (3):

CeGaT Center for Human Genetics Tuebingen
Classification: Likely benign. Last evaluated: 2026-07-01. Review status: criteria provided, single submitter. Criteria: CeGaT Center For Human Genetics Tuebingen Variant Classification Criteria Version 2. Collection method: clinical testing. Allele origin: germline. Affected: yes. Observed: 1 variant allele.
Comment: MAP1B: BP4, BS1

Labcorp Genetics (formerly Invitae), Labcorp
Classification: Benign. Last evaluated: 2019-12-31. Review status: criteria provided, single submitter. Criteria: Invitae Variant Classification Sherloc (09022015). Collection method: clinical testing. Allele origin: germline.

PreventionGenetics, part of Exact Sciences
Classification: Benign for MAP1B-related condition. Last evaluated: 2019-06-12. Review status: no assertion criteria provided. Collection method: clinical testing. Allele origin: germline. Not counted in ClinVar's aggregate classification.
Comment: This variant is classified as benign based on ACMG/AMP sequence variant interpretation guidelines (Richards et al. 2015 PMID: 25741868, with internal and published modifications).